The following is an entry in ClinVar:

NM_003590.5(CUL3):c.1253T>A (p.Leu418His)

Gene: CUL3 (cullin 3; minus strand). Cytogenetic location: 2q36.2.
Variant type: single nucleotide variant.
Coding change: c.1253T>A on transcript NM_003590.5 (MANE Select); coding-DNA position 1253, T replaced by A.
Protein change: p.Leu418His; replaces leucine 418 with histidine.
Molecular consequence: missense variant.
Genome position (GRCh38, 1-based): chr2:224,503,776, A>T on the plus strand (T>A on the coding strand, the complement: CUL3 is on the minus strand). VCF-style: chr2-224503776-A-T. GRCh37 (hg19) VCF-style: chr2-225368493-A-T.
Other names: c.1055T>A, p.Leu352His (NM_001257197.2); c.1271T>A, p.Leu424His (NM_001257198.2); short protein forms L352H, L424H, L418H.
Identifiers: ClinVar variation 4747310 (VCV004747310.1).
Genomic context (GRCh38, chr2:224,503,776, plus strand): 5'-CTTGCCAAGTGTTGTTTATAATAACGTTCAAATACATCTTTTTCTTGCATAAACCTAAAA[A>T]GGACCATTGCTTTATCCAATATTGTTTCTACTTCTTGTTCTGTTAGCTGCAAAATTAAGA-3'
Protein context (NP_003581.1, residues 408-428): VETILDKAMV[Leu418His]FRFMQEKDVF

ClinVar aggregate classification (germline): Uncertain significance (1 of 4 stars; one submission).

Submission:

Labcorp Genetics (formerly Invitae), Labcorp
Classification: Uncertain significance. Last evaluated: 2025-12-21. Review status: criteria provided, single submitter. Criteria: Invitae Variant Classification Sherloc (09022015). Collection method: clinical testing. Allele origin: germline.
Comment: This sequence change replaces leucine, which is neutral and non-polar, with histidine, which is basic and polar, at codon 418 of the CUL3 protein (p.Leu418His). This variant is not present in population databases (gnomAD no frequency). This variant has not been reported in the literature in individuals affected with CUL3-related conditions. Invitae Evidence Modeling of protein sequence and biophysical properties (such as structural, functional, and spatial information, amino acid conservation, physicochemical variation, residue mobility, and thermodynamic stability) indicates that this missense variant is expected to disrupt CUL3 protein function with a positive predictive value of 95%. In summary, the available evidence is currently insufficient to determine the role of this variant in disease. Therefore, it has been classified as a Variant of Uncertain Significance.